The following is an entry in ClinVar:

NM_000501.4(ELN):c.*1195C>T

Gene: ELN (elastin; plus strand). Cytogenetic location: 7q11.23.
Variant type: single nucleotide variant.
Coding change: c.*1195C>T on transcript NM_000501.4 (MANE Select); 1195 bases downstream of the stop codon, C replaced by T.
Molecular consequence: 3 prime UTR variant.
Genome position (GRCh38, 1-based): chr7:74,069,895, C>T. VCF-style: chr7-74069895-C-T. GRCh37 (hg19) VCF-style: chr7-73484225-C-T.
Other names: c.*1195C>T (NM_001081752.3, NM_001081753.3, NM_001081754.3 and 9 more transcripts).
Identifiers: ClinVar variation 360684 (VCV000360684.5), dbSNP rs115872030, ClinGen allele CA10629500.

ClinVar aggregate classification (germline): Benign. Review status: criteria provided, single submitter (1 of 4 stars). 2 submissions from 1 submitter: Benign (2). Last evaluated 2018-01-13.

Conditions:
Cutis laxa, autosomal dominant 1 (ADCL1). Also called: ELN-Related Cutis Laxa. Identifiers: Orphanet 90348, MedGen C3276539, MONDO:0007411, OMIM 123700. Disease mechanism: Dominant Negative.
Supravalvar aortic stenosis (SVAS). Also called: Supravalvar aortic stenosis, Eisenberg type. Identifiers: Orphanet 3193, MedGen C0003499, MONDO:0008504, OMIM 185500, HP:0004381.

Allele frequency attached by ClinVar (database versions not stated): gnomAD exomes 0.00063; 1000 Genomes Project 0.00319; gnomAD 0.00353 and 0.00381; 1000 Genomes Project 30x 0.00359; TOPMed 0.00427.

Submissions (2):

Illumina Laboratory Services, Illumina
Classification: Benign for Cutis laxa, autosomal dominant 1. Last evaluated: 2018-01-13. Review status: criteria provided, single submitter. Criteria: ICSL Variant Classification Criteria 13 December 2019. Collection method: clinical testing. Allele origin: germline.
Comment: This variant was observed in the ICSL laboratory as part of a predisposition screen in an ostensibly healthy population. It had not been previously curated by ICSL or reported in the Human Gene Mutation Database (HGMD: prior to June 1st, 2018), and was therefore a candidate for classification through an automated scoring system. Utilizing variant allele frequency, disease prevalence and penetrance estimates, and inheritance mode, an automated score was calculated to assess if this variant is too frequent to cause the disease. Based on the score and internal cut-off values, a variant classified as benign is not then subjected to further curation. The score for this variant resulted in a classification of benign for this disease.

Illumina Laboratory Services, Illumina
Classification: Benign for Supravalvar aortic stenosis. Last evaluated: 2018-01-13. Review status: criteria provided, single submitter. Criteria: ICSL Variant Classification Criteria 13 December 2019. Collection method: clinical testing. Allele origin: germline.
Comment: the same text as in the submission from Illumina Laboratory Services, Illumina above.